The following is an entry in ClinVar:

ClinVar aggregate classification (germline): Uncertain significance (1 of 4 stars; one submission).

Allele frequency attached by ClinVar (database versions not stated): gnomAD exomes below 0.00001 and 0.00001; ExAC 0.00001; gnomAD 0.00001; TOPMed 0.00002; 1000 Genomes Project 0.00020; 1000 Genomes Project 30x 0.00031.
gnomAD v4.1: 11 of 1,613,570 alleles (0.00068%); highest among the groups gnomAD compares: East Asian, 0.0022%; no homozygotes.

Submission:

Labcorp Genetics (formerly Invitae), Labcorp
Classification: Uncertain significance. Last evaluated: 2021-02-01. Review status: criteria provided, single submitter. Criteria: Invitae Variant Classification Sherloc (09022015). Collection method: clinical testing. Allele origin: germline.
Comment: In summary, the available evidence is currently insufficient to determine the role of this variant in disease. Therefore, it has been classified as a Variant of Uncertain Significance. Algorithms developed to predict the effect of missense changes on protein structure and function are either unavailable or do not agree on the potential impact of this missense change (SIFT: "Deleterious"; PolyPhen-2: "Possibly Damaging"; Align-GVGD: "Class C0"). This variant has not been reported in the literature in individuals with RHOBTB2-related conditions. This variant is present in population databases (rs545270022, ExAC 0.01%). This sequence change replaces arginine with glutamine at codon 670 of the RHOBTB2 protein (p.Arg670Gln). The arginine residue is highly conserved and there is a small physicochemical difference between arginine and glutamine.

NM_015178.3(RHOBTB2):c.1943G>A (p.Arg648Gln)

Gene: RHOBTB2 (Rho related BTB domain containing 2; plus strand). Cytogenetic location: 8p21.3.
Variant type: single nucleotide variant.
Coding change: c.1943G>A on transcript NM_015178.3 (MANE Select); coding-DNA position 1943, G replaced by A.
Protein change: p.Arg648Gln; replaces arginine 648 with glutamine.
Molecular consequence: missense variant.
Genome position (GRCh38, 1-based): chr8:23,015,720, G>A. VCF-style: chr8-23015720-G-A. GRCh37 (hg19) VCF-style: chr8-22873233-G-A.
Other names: c.2009G>A, p.Arg670Gln (NM_001160036.2); c.1964G>A, p.Arg655Gln (NM_001160037.2); c.1943G>A, p.Arg648Gln (NM_001374791.1); short protein forms R655Q, R648Q, R670Q.
Identifiers: ClinVar variation 1431760 (VCV001431760.8), dbSNP rs545270022, ClinGen allele CA4672830.